The following is an entry in ClinVar:

NM_005483.3(CHAF1A):c.1757C>G (p.Pro586Arg)

Gene: CHAF1A (chromatin assembly factor 1 subunit A; plus strand). Cytogenetic location: 19p13.3.
Variant type: single nucleotide variant.
Coding change: c.1757C>G on transcript NM_005483.3 (MANE Select); coding-DNA position 1757, C replaced by G.
Protein change: p.Pro586Arg; replaces proline 586 with arginine.
Molecular consequence: missense variant.
Genome position (GRCh38, 1-based): chr19:4,429,590, C>G. VCF-style: chr19-4429590-C-G. GRCh37 (hg19) VCF-style: chr19-4429587-C-G.
Other names: short protein forms P586R.
Identifiers: ClinVar variation 4278728 (VCV004278728.1).

ClinVar aggregate classification (germline): Uncertain significance (1 of 4 stars; one submission).

Submission:

GeneDx
Classification: Uncertain significance. Last evaluated: 2025-04-03. Review status: criteria provided, single submitter. Criteria: GeneDx Variant Classification Process June 2021. Collection method: clinical testing. Allele origin: germline. Affected: yes.
Comment: Not observed at significant frequency in large population cohorts (gnomAD); In silico analysis supports that this missense variant has a deleterious effect on protein structure/function; Has not been previously published as pathogenic or benign to our knowledge